The following is an entry in ClinVar:

NM_019098.5(CNGB3):c.991-3T>G

Gene: CNGB3 (cyclic nucleotide gated channel subunit beta 3; minus strand). Cytogenetic location: 8q21.3.
Variant type: single nucleotide variant.
Coding change: c.991-3T>G on transcript NM_019098.5 (MANE Select); 3 bases into the intron before coding-DNA position 991, T replaced by G.
Molecular consequence: intron variant.
Genome position (GRCh38, 1-based): chr8:86,644,689, A>C on the plus strand (T>G on the coding strand, the complement: CNGB3 is on the minus strand). VCF-style: chr8-86644689-A-C. GRCh37 (hg19) VCF-style: chr8-87656917-A-C.
Identifiers: ClinVar variation 188827 (VCV000188827.20), dbSNP rs773372519, ClinGen allele CA274008.
Genomic context (GRCh38, chr8:86,644,689, plus strand): 5'-TATATGCTTTGTCCATTATAGACTCTAGGTGATGATTAAATTCAAAAAATGAAGTGTACT[A>C]TATAGAAAAGCAAAAGAAATCCAAAAGCATGTTAGTCTTAAATATATATATTTAAATAAA-3'

ClinVar aggregate classification (germline): Pathogenic. Review status: criteria provided, multiple submitters, no conflicts (2 of 4 stars). 11 submissions from 10 submitters: Pathogenic (6). 5 of the submissions do not count toward it. Last evaluated 2026-07-01.

Conditions:
CNGB3-related disorder. Also called: CNGB3-related disorders; CNGB3-related condition. Identifiers: MedGen CN239340.
Retinal dystrophy. Also called: Inherited retinal dystrophy. Identifiers: Orphanet 71862, MedGen C0854723, MeSH D058499, MONDO:0019118, HP:0000556.
Leber congenital amaurosis (LCA). Also called: Leber's amaurosis. Identifiers: Orphanet 65, MedGen C0339527, MeSH D057130, MONDO:0018998.
Achromatopsia 3 (ACHM3). Also called: PINGELAPESE BLINDNESS; TOTAL COLORBLINDNESS WITH MYOPIA; ROD MONOCHROMACY 1; ROD MONOCHROMATISM 1; ACHROMATOPSIA WITH MYOPIA. Identifiers: Orphanet 49382, MedGen C1849792, MONDO:0009875, OMIM 262300.
Retinal disorder. Also called: Retinopathies; Retinal Diseases; Retinal disorders; Retinopathy. Identifiers: MedGen C0035309, MONDO:0005283, HP:0000488.

gnomAD v4.1: 24 of 1,523,860 alleles (0.0016%); highest among the groups gnomAD compares: Non-Finnish European, 0.002%; no homozygotes.

Submissions (11):

CeGaT Center for Human Genetics Tuebingen
Classification: Pathogenic. Last evaluated: 2026-07-01. Review status: criteria provided, single submitter. Criteria: CeGaT Center For Human Genetics Tuebingen Variant Classification Criteria Version 2. Collection method: clinical testing. Allele origin: germline. Affected: yes. Observed: 1 variant allele.
Comment: CNGB3: PVS1, PM3:Strong, PM2

Labcorp Genetics (formerly Invitae), Labcorp
Classification: Pathogenic. Last evaluated: 2025-03-16. Review status: criteria provided, single submitter. Criteria: Invitae Variant Classification Sherloc (09022015). Collection method: clinical testing. Allele origin: germline.
Comment: This sequence change falls in intron 8 of the CNGB3 gene. It does not directly change the encoded amino acid sequence of the CNGB3 protein. It affects a nucleotide within the consensus splice site. This variant is present in population databases (rs773372519, gnomAD 0.001%). This variant has been observed in individual(s) with autosomal recessive achromatopsia or cone dystrophy (PMID: 15459792, 20079539, 28795510). In at least one individual the data is consistent with being in trans (on the opposite chromosome) from a pathogenic variant. ClinVar contains an entry for this variant (Variation ID: 188827). Variants that disrupt the consensus splice site are a relatively common cause of aberrant splicing (PMID: 17576681, 9536098). Algorithms developed to predict the effect of sequence changes on RNA splicing suggest that this variant may disrupt the consensus splice site. For these reasons, this variant has been classified as Pathogenic.

Blueprint Genetics
Classification: Pathogenic for CNGB3-related disorders. Last evaluated: 2024-09-13. Review status: criteria provided, single submitter. Criteria: ACMG Guidelines, 2015. Collection method: clinical testing. Allele origin: germline. Affected: yes. Observed: 5 variant alleles.

Women's Health and Genetics/Laboratory Corporation of America, LabCorp
Classification: Pathogenic for Achromatopsia 3. Last evaluated: 2023-02-17. Review status: criteria provided, single submitter. Criteria: LabCorp Variant Classification Summary - May 2015. Collection method: clinical testing. Allele origin: germline.
Comment: Variant summary: CNGB3 c.991-3T>G alters a non-conserved nucleotide located close to a canonical splice site and therefore could affect mRNA splicing, leading to a significantly altered protein sequence. Several computational tools predict a significant impact on normal splicing: Two predict the variant abolishes a 3' acceptor site. One predict the variant weakens a 3' acceptor site. Four predict the variant creates a 3' acceptor site. However, these predictions have yet to be confirmed by functional studies. The variant allele was found at a frequency of 1.3e-05 in 224156 control chromosomes. c.991-3T>G has been reported in the literature in multiple individuals affected with Achromatopsia and Progressive Cone Dystrophy (Thiadens_CNGB3_Opth_2010, Mayer_2017, etc.). These data indicate that the variant is very likely to be associated with disease. Four clinical diagnostic laboratories have submitted clinical-significance assessments for this variant to ClinVar after 2014 without evidence for independent evaluation. All laboratories classified the variant as pathogenic/likely pathogenic. Based on the evidence outlined above, the variant was classified as pathogenic.

AURAGEN, Plan France Médecine Génomique
Classification: Pathogenic for Retinal disorder. Last evaluated: 2022-01-24. Review status: criteria provided, single submitter. Criteria: PFMG2025 (Lancet Reg Health Eur. 2025). Collection method: clinical testing. Allele origin: germline. Affected: yes.

Institute of Human Genetics, Univ. Regensburg, Univ. Regensburg
Classification: Pathogenic for Retinal dystrophy. Last evaluated: 2015-01-01. Review status: criteria provided, single submitter. Criteria: ACMG Guidelines, 2015. Collection method: clinical testing. Allele origin: germline. Affected: yes.

Molecular Genetics Laboratory, Institute for Ophthalmic Research
Classification: Likely pathogenic for ACHM3. Last evaluated: 2017-03-27. Review status: no assertion criteria provided. Collection method: research. Allele origin: germline. Affected: yes. Not counted in ClinVar's aggregate classification.

Joint Genome Diagnostic Labs from Nijmegen and Maastricht, Radboudumc and MUMC+
Classification: Pathogenic for Leber congenital amaurosis. Last evaluated: 2016-09-01. Review status: no assertion criteria provided. Collection method: clinical testing. Allele origin: unknown. Affected: yes. Observed: 1 variant allele. Not counted in ClinVar's aggregate classification.

Counsyl
Classification: Likely pathogenic for Achromatopsia 3. Last evaluated: 2014-06-13. Review status: no assertion criteria provided. Collection method: literature only. Allele origin: unknown. Inheritance: Autosomal recessive inheritance. Not counted in ClinVar's aggregate classification.

Joint Genome Diagnostic Labs from Nijmegen and Maastricht, Radboudumc and MUMC+
Classification: Pathogenic. Review status: no assertion criteria provided. Collection method: clinical testing. Allele origin: germline. Affected: yes. Study: VKGL Data-share Consensus. Not counted in ClinVar's aggregate classification.

Laboratory of Diagnostic Genome Analysis, Leiden University Medical Center (LUMC)
Classification: Pathogenic. Review status: no assertion criteria provided. Collection method: clinical testing. Allele origin: germline. Affected: yes. Study: VKGL Data-share Consensus. Not counted in ClinVar's aggregate classification.

Literature cited by the submitters: PubMed 15459792 (cited by 3 submitters); PubMed 20079539 (cited by 3 submitters); PubMed 28795510 (cited by 3 submitters); PubMed 17576681 (cited by Labcorp Genetics (formerly Invitae), Labcorp); PubMed 9536098 (cited by Labcorp Genetics (formerly Invitae), Labcorp); PubMed 19592100 (cited by Women's Health and Genetics/Laboratory Corporation of America, LabCorp and Counsyl); PubMed 22975760 (cited by Institute of Human Genetics, Univ. Regensburg, Univ. Regensburg); PubMed 25525159 (cited by Institute of Human Genetics, Univ. Regensburg, Univ. Regensburg); PubMed 31589614 (cited by Institute of Human Genetics, Univ. Regensburg, Univ. Regensburg); PubMed 31964843 (cited by Institute of Human Genetics, Univ. Regensburg, Univ. Regensburg); PubMed 33749171 (cited by Institute of Human Genetics, Univ. Regensburg, Univ. Regensburg); PubMed 20574029 (cited by Counsyl); PubMed 15657609 (cited by Counsyl).